The following is an entry in ClinVar:

ClinVar aggregate classification (germline): Uncertain significance. Review status: criteria provided, multiple submitters, no conflicts (2 of 4 stars). 2 submissions from 2 submitters: Uncertain significance (2). Last evaluated 2025-01-29.

Conditions:
Inborn genetic diseases. Identifiers: MedGen C0950123, MeSH D030342.

Allele frequency attached by ClinVar (database versions not stated): gnomAD 0.00001; TOPMed 0.00002.

Submissions (2):

Labcorp Genetics (formerly Invitae), Labcorp
Classification: Uncertain significance. Last evaluated: 2025-01-29. Review status: criteria provided, single submitter. Criteria: Invitae Variant Classification Sherloc (09022015). Collection method: clinical testing. Allele origin: germline.
Comment: This sequence change replaces serine, which is neutral and polar, with alanine, which is neutral and non-polar, at codon 380 of the MNX1 protein (p.Ser380Ala). This variant is present in population databases (no rsID available, gnomAD 0.01%). This variant has not been reported in the literature in individuals affected with MNX1-related conditions. ClinVar contains an entry for this variant (Variation ID: 2991522). Experimental studies and prediction algorithms are not available or were not evaluated, and the functional significance of this variant is currently unknown. In summary, the available evidence is currently insufficient to determine the role of this variant in disease. Therefore, it has been classified as a Variant of Uncertain Significance.

Ambry Genetics
Classification: Uncertain significance for Inborn genetic diseases. Last evaluated: 2024-10-29. Review status: criteria provided, single submitter. Criteria: Ambry Variant Classification Scheme 2023. Collection method: clinical testing. Allele origin: germline.

NM_005515.4(MNX1):c.1138T>G (p.Ser380Ala)

Gene: MNX1 (motor neuron and pancreas homeobox 1; minus strand). Cytogenetic location: 7q36.3.
Variant type: single nucleotide variant.
Coding change: c.1138T>G on transcript NM_005515.4 (MANE Select); coding-DNA position 1138, T replaced by G.
Protein change: p.Ser380Ala; replaces serine 380 with alanine.
Molecular consequence: missense variant.
Genome position (GRCh38, 1-based): chr7:157,005,588, A>C on the plus strand (T>G on the coding strand, the complement: MNX1 is on the minus strand). VCF-style: chr7-157005588-A-C. GRCh37 (hg19) VCF-style: chr7-156798282-A-C.
Other names: c.1138T>G (NM_005515.3); c.502T>G, p.Ser168Ala (NM_001165255.2); short protein forms S380A, S168A.
Identifiers: ClinVar variation 2991522 (VCV002991522.4), dbSNP rs1025197744, ClinGen allele CA169865785.